The following is an entry in ClinVar:

ClinVar aggregate classification (germline): Benign. Review status: criteria provided, multiple submitters, no conflicts (2 of 4 stars). 3 submissions from 3 submitters: Benign (3). Last evaluated 2026-02-03.

Submissions (3):

Labcorp Genetics (formerly Invitae), Labcorp
Classification: Benign. Last evaluated: 2026-02-03. Review status: criteria provided, single submitter. Criteria: Invitae Variant Classification Sherloc (09022015). Collection method: clinical testing. Allele origin: germline.

Laboratory for Molecular Medicine, Mass General Brigham Personalized Medicine
Classification: Benign. Last evaluated: 2014-08-19. Review status: criteria provided, single submitter. Criteria: LMM Criteria. Collection method: clinical testing. Allele origin: germline. Observed: 1 variant allele.
Comment: 1053+11_1053+12delinsTG in intron 11 of MYO3A: This variant is not expected to h ave clinical significance because it is not located within the conserved splice consensus sequence, and has been identified in 46.5% (6041/13006) of European Am erican and African American chromosomes by the NHLBI Exome Sequening Project (dbSNP rs3824697 and rs3824698).

PreventionGenetics, part of Exact Sciences
Classification: Benign. Review status: criteria provided, single submitter. Criteria: ACMG Guidelines, 2015. Collection method: clinical testing. Allele origin: germline.

NM_017433.5(MYO3A):c.1053+11_1053+12inv

Gene: MYO3A (myosin IIIA; plus strand). Cytogenetic location: 10p12.1.
Variant type: Inversion.
Coding change: c.1053+11_1053+12inv on transcript NM_017433.5 (MANE Select).
Genome position: GRCh38 VCF-style: chr10-26067085-CA-TG. GRCh37 (hg19) VCF-style: chr10-26356014-CA-TG.
Identifiers: ClinVar variation 299651 (VCV000299651.16), ClinGen allele CA182759.